The following is an entry in ClinVar:

ClinVar aggregate classification (germline): Likely benign. Review status: criteria provided, multiple submitters, no conflicts (2 of 4 stars). 2 submissions from 2 submitters: Likely benign (2). Last evaluated 2023-08-10.

Allele frequency attached by ClinVar (database versions not stated): ExAC 0.00008; gnomAD exomes 0.00010 and 0.00022; gnomAD 0.00012; TOPMed 0.00012; ESP Exome Variant Server 0.00015.
gnomAD v4.1: 349 of 1,611,436 alleles (0.022%); highest among the groups gnomAD compares: Non-Finnish European, 0.027%; 1 homozygote.

Submissions (2):

Labcorp Genetics (formerly Invitae), Labcorp
Classification: Likely benign. Last evaluated: 2023-08-10. Review status: criteria provided, single submitter. Criteria: Invitae Variant Classification Sherloc (09022015). Collection method: clinical testing. Allele origin: germline.

CeGaT Center for Human Genetics Tuebingen
Classification: Likely benign. Last evaluated: 2022-07-01. Review status: criteria provided, single submitter. Criteria: CeGaT Center For Human Genetics Tuebingen Variant Classification Criteria Version 2. Collection method: clinical testing. Allele origin: germline. Affected: yes. Observed: 1 variant allele.
Comment: BPTF: BP4, BP7

NM_182641.4(BPTF):c.8742A>G (p.Lys2914=)

Gene: BPTF (bromodomain PHD finger transcription factor; plus strand). Cytogenetic location: 17q24.2.
Variant type: single nucleotide variant.
Coding change: c.8742A>G on transcript NM_182641.4 (MANE Select); coding-DNA position 8742, A replaced by G.
Protein change: p.Lys2914=; no amino-acid change (lysine 2914 retained).
Molecular consequence: synonymous variant.
Genome position (GRCh38, 1-based): chr17:67,982,267, A>G. VCF-style: chr17-67982267-A-G. GRCh37 (hg19) VCF-style: chr17-65978383-A-G.
Other names: c.8691A>G, p.Lys2897= (NM_004459.7).
Identifiers: ClinVar variation 742848 (VCV000742848.31), dbSNP rs372946073, ClinGen allele CA8726671.